The following is an entry in ClinVar:

ClinVar aggregate classification (germline): Benign. Review status: criteria provided, multiple submitters, no conflicts (2 of 4 stars). 7 submissions from 7 submitters: Benign (4). 3 of the submissions do not count toward it. Last evaluated 2025-11-05.

Conditions:
ERCC1-related disorder. Also called: ERCC1-related condition.
Cerebrooculofacioskeletal syndrome 4 (COFS4). Identifiers: MedGen C1853100, MONDO:0012554, OMIM 610758.

Allele frequency attached by ClinVar (database versions not stated): ESP Exome Variant Server 0.02299; gnomAD exomes 0.00558 and 0.00228; gnomAD 0.01986 and 0.02148; 1000 Genomes Project 0.02077; 1000 Genomes Project 30x 0.02092; ExAC 0.00664; TOPMed 0.02223.
gnomAD v4.1: 6,510 of 1,614,016 alleles (0.4%); highest among the groups gnomAD compares: African/African-American, 7%; 167 homozygotes.

Submissions (7):

Dasa
Classification: Benign. Last evaluated: 2025-11-05. Review status: criteria provided, single submitter. Criteria: DASA Assertion Criteria. Collection method: clinical testing. Allele origin: germline.
Comment: NM_001983.4(ERCC1):c.*863T>C is a sequence variant. Population frequency is inconsistent with a disease-causing role for this variant, observations in unaffected individuals support a benign interpretation, and the variant context is inconsistent with a known disease-causing mechanism. Therefore, based on the currently available evidence, this variant is classified as benign.

H3Africa Consortium
Classification: Benign. Last evaluated: 2020-10-28. Review status: criteria provided, single submitter. Criteria: Choudhury A et al. (Nature 2020). Collection method: research. Allele origin: germline. Inheritance: Autosomal recessive inheritance. Study: H3Africa.
Comment: While the frequency of the alternate allele in gnoMAD v2.0.2 is 0.082, its frequency in African populations is >5%. This suggests that previous classifications of this variant as pathogenic are in error.

GeneDx
Classification: Benign. Last evaluated: 2019-06-15. Review status: criteria provided, single submitter. Criteria: GeneDx Variant Classification Process June 2021. Collection method: clinical testing. Allele origin: germline. Affected: yes.

Labcorp Genetics (formerly Invitae), Labcorp
Classification: Benign. Last evaluated: 2017-07-10. Review status: criteria provided, single submitter. Criteria: Invitae Variant Classification Sherloc (09022015). Collection method: clinical testing. Allele origin: germline.

PreventionGenetics, part of Exact Sciences
Classification: Benign for ERCC1-related condition. Last evaluated: 2024-01-20. Review status: no assertion criteria provided. Collection method: clinical testing. Allele origin: germline. Not counted in ClinVar's aggregate classification.
Comment: This variant is classified as benign based on ACMG/AMP sequence variant interpretation guidelines (Richards et al. 2015 PMID: 25741868, with internal and published modifications).

Reproductive Health Research and Development, BGI Genomics
Classification: Benign for Cerebrooculofacioskeletal syndrome 4. Last evaluated: 2020-01-06. Review status: no assertion criteria provided. Collection method: curation. Allele origin: germline. Not counted in ClinVar's aggregate classification.
Comment: NM_001297590.1:c.850A>G in ghe gene CD3EAP has an allele frequency of 0.067 in African subpopulation in the gnomAD database. A total of 52 homozygous occurrences are observed in the gnomAD database. This evidence suggests the variant to be classified as benign. ACMG/AMP criteria applied: BA1, BS2.

Center for Pediatric Genomic Medicine, Children's Mercy Hospital and Clinics
Classification: Pathogenic. Last evaluated: 2015-10-28. Review status: flagged submission. Criteria: ACMG Guidelines, 2015. Collection method: clinical testing. Allele origin: germline. Not counted in ClinVar's aggregate classification.
ClinVar note: Reason: Older and outlier claim with insufficient supporting evidence

NM_012099.3(POLR1G):c.844A>G (p.Thr282Ala)

Genes: ERCC1 (ERCC excision repair 1, endonuclease non-catalytic subunit; minus strand), POLR1G (RNA polymerase I subunit G; plus strand). Cytogenetic location: 19q13.32.
Variant type: single nucleotide variant.
Coding change: c.844A>G on transcript NM_012099.3 (MANE Select); coding-DNA position 844, A replaced by G.
Protein change: p.Thr282Ala; replaces threonine 282 with alanine.
Molecular consequence: missense variant. On other transcripts: 3 prime UTR variant (10).
Genome position (GRCh38, 1-based): chr19:45,408,812, A>G. VCF-style: chr19-45408812-A-G. GRCh37 (hg19) VCF-style: chr19-45912070-A-G.
Other names: c.850A>G, p.Thr284Ala (NM_001297590.3); c.*863T>C (NM_001166049.2, NM_001369412.1, NM_001369413.1 and 7 more transcripts); short protein forms T282A, T284A.
Identifiers: ClinVar variation 235480 (VCV000235480.14), dbSNP rs3212989, ClinGen allele CA9515033.
Genomic context (GRCh38, chr19:45,408,812, plus strand): 5'-TTCGAGCCAGAAGACAAGACAGTGAAGCAGGAACAGATTAACACTGAGCCTCTAGAAGAC[A>G]CAGTCCTGTCCCCGACCAAAAAGAGAAAGAGGCAAAAGGGGACGGAAGGGATGGAGCCAG-3'
Protein context (NP_036231.1, residues 272-292): EQINTEPLED[Thr282Ala]VLSPTKKRKR